The following is an entry in ClinVar:

ClinVar aggregate classification (germline): Likely benign (1 of 4 stars; one submission).

Allele frequency attached by ClinVar (database versions not stated): gnomAD exomes below 0.00001; TOPMed below 0.00001.
gnomAD v4.1: 3 of 1,610,046 alleles (0.00019%); highest among the groups gnomAD compares: Non-Finnish European, 0.00026%; no homozygotes.

Submission:

GeneDx
Classification: Likely benign. Last evaluated: 2016-11-08. Review status: criteria provided, single submitter. Criteria: GeneDx Variant Classification (06012015). Collection method: clinical testing. Allele origin: germline. Affected: yes.
Comment: This variant is considered likely benign or benign based on one or more of the following criteria: it is a conservative change, it occurs at a poorly conserved position in the protein, it is predicted to be benign by multiple in silico algorithms, and/or has population frequency not consistent with disease.

NM_001005337.3(PKP1):c.2022-11C>T

Gene: PKP1 (plakophilin 1; plus strand). Cytogenetic location: 1q32.1.
Variant type: single nucleotide variant.
Coding change: c.2022-11C>T on transcript NM_001005337.3 (MANE Select); 11 bases into the intron before coding-DNA position 2022, C replaced by T.
Molecular consequence: intron variant.
Genome position (GRCh38, 1-based): chr1:201,325,743, C>T. VCF-style: chr1-201325743-C-T. GRCh37 (hg19) VCF-style: chr1-201294871-C-T.
Other names: c.2085-11C>T (NM_000299.4).
Identifiers: ClinVar variation 390680 (VCV000390680.1), dbSNP rs898073775, ClinGen allele CA16603522.